The following is an entry in ClinVar:

NM_001354604.2(MITF):c.530C>T (p.Ala177Val)

Gene: MITF (melanocyte inducing transcription factor; plus strand). Cytogenetic location: 3p13.
Variant type: single nucleotide variant.
Coding change: c.530C>T on transcript NM_001354604.2 (MANE Select); coding-DNA position 530, C replaced by T.
Protein change: p.Ala177Val; replaces alanine 177 with valine.
Molecular consequence: missense variant. On other transcripts: intron variant (1).
Genome position (GRCh38, 1-based): chr3:69,937,997, C>T. VCF-style: chr3-69937997-C-T. GRCh37 (hg19) VCF-style: chr3-69987148-C-T.
Other names: c.527C>T, p.Ala176Val (NM_006722.3, NM_001354605.2, NM_001354606.2); c.209C>T, p.Ala70Val (NM_198158.3, NM_001184968.2, NM_000248.4); c.530C>T, p.Ala177Val (NM_198159.3); c.482C>T, p.Ala161Val (NM_198177.3); c.93+116C>T (NM_198178.3); c.479C>T, p.Ala160Val (NM_001354607.2); c.374C>T, p.Ala125Val (NM_001354608.2, NM_001184967.2); short protein forms A161V, A177V, A70V, A176V, A125V, A160V.
Identifiers: ClinVar variation 4055193 (VCV004055193.1).
Genomic context (GRCh38, chr3:69,937,997, plus strand): 5'-GCTTGCCATGTCCAAACCAGCCTGGCGATCATGTCATGCCACCGGTGCCGGGGAGCAGCG[C>T]ACCCAACAGCCCCATGGCTATGCTTACGCTTAACTCCAACTGTGAAAAAGAGGTAATTCA-3'
Protein context (NP_001341533.1, residues 167-187): HVMPPVPGSS[Ala177Val]PNSPMAMLTL

ClinVar aggregate classification (germline): Uncertain significance (1 of 4 stars; one submission).

Conditions:
Hereditary cancer-predisposing syndrome. Also called: Neoplastic Syndromes, Hereditary; Tumor predisposition; Hereditary neoplastic syndrome; Hereditary Cancer Syndrome. Identifiers: Orphanet 140162, MedGen C0027672, MeSH D009386, MONDO:0015356.

gnomAD v4.1: 1 of 1,614,218 alleles (0.000062%); highest among the groups gnomAD compares: Non-Finnish European, 0.000085%; no homozygotes.

Submission:

Ambry Genetics
Classification: Uncertain significance for Hereditary cancer-predisposing syndrome. Last evaluated: 2025-04-18. Review status: criteria provided, single submitter. Criteria: Ambry Variant Classification Scheme 2023. Collection method: clinical testing. Allele origin: germline.
Comment: The p.A70V variant (also known as c.209C>T), located in coding exon 2 of the MITF gene, results from a C to T substitution at nucleotide position 209. The alanine at codon 70 is replaced by valine, an amino acid with similar properties. This amino acid position is conserved. In addition, the in silico prediction for this alteration is inconclusive. Based on the available evidence, the clinical significance of this variant remains unclear.